The following is an entry in ClinVar:

NM_183235.3(RAB27A):c.53_54del (p.Ser18fs)

Gene: RAB27A (RAB27A, member RAS oncogene family; minus strand). Cytogenetic location: 15q21.3.
Variant type: Microsatellite.
Coding change: c.53_54del on transcript NM_183235.3 (MANE Select); coding-DNA positions 53 to 54, 2 bases deleted (CT; older notation c.53_54delCT).
Protein change: p.Ser18fs; shifts the reading frame from serine 18.
Molecular consequence: frameshift variant.
Genome position (GRCh38, 1-based): chr15:55,234,881-55,234,882, AG deleted on the plus strand (CT on the coding strand, the reverse complement: RAB27A is on the minus strand); deleting any 2 consecutive bases within chr15:55,234,881-55,234,884 gives the same sequence; the c. name uses the placement nearest the transcript's 3' end. VCF-style (leftmost placement, unchanged base first): chr15-55234880-CAG-C. GRCh37 (hg19) VCF-style: chr15-55527078-CAG-C.
Other names: c.53_54del, p.Ser18fs (NM_004580.5, NM_183236.3); c.51_52CT[1], p.Ser18Trpfs (NM_183234.3); short protein forms S18fs.
Identifiers: ClinVar variation 5988 (VCV000005988.11), dbSNP rs1595700039, ClinGen allele CA490429365.

ClinVar aggregate classification (germline): Pathogenic. Review status: criteria provided, single submitter (1 of 4 stars). 2 submissions from 2 submitters: Pathogenic (1). 1 of the submissions does not count toward it. Last evaluated 2024-07-15.

Conditions:
Griscelli syndrome type 2 (GS2). Also called: GRISCELLI SYNDROME WITH HEMOPHAGOCYTIC SYNDROME; PAID SYNDROME; PARTIAL ALBINISM AND IMMUNODEFICIENCY SYNDROME. Identifiers: Orphanet 381, Orphanet 79477, MedGen C1868679, MONDO:0011872, OMIM 607624.

Submissions (2):

Labcorp Genetics (formerly Invitae), Labcorp
Classification: Pathogenic for Griscelli syndrome type 2. Last evaluated: 2024-07-15. Review status: criteria provided, single submitter. Criteria: Invitae Variant Classification Sherloc (09022015). Collection method: clinical testing. Allele origin: germline.
Comment: This sequence change creates a premature translational stop signal (p.Ser18Trpfs*15) in the RAB27A gene. It is expected to result in an absent or disrupted protein product. Loss-of-function variants in RAB27A are known to be pathogenic (PMID: 10835631, 23160464). This variant is not present in population databases (gnomAD no frequency). This premature translational stop signal has been observed in individual(s) with Griscelli syndrome or hemophagocytic lymphohistiocytosis (PMID: 12522785, 23160464). This variant is also known as c.51delCT, S18WFsX. ClinVar contains an entry for this variant (Variation ID: 5988). For these reasons, this variant has been classified as Pathogenic.

OMIM
Classification: Pathogenic for GRISCELLI SYNDROME, TYPE 2. Last evaluated: 2003-02-01. Review status: no assertion criteria provided. Collection method: literature only. Allele origin: germline. Not counted in ClinVar's aggregate classification.

Literature cited by the submitters: PubMed 10835631 (cited by Labcorp Genetics (formerly Invitae), Labcorp); PubMed 23160464 (cited by Labcorp Genetics (formerly Invitae), Labcorp); PubMed 12522785 (cited by Labcorp Genetics (formerly Invitae), Labcorp and OMIM).